The following is an entry in ClinVar:

NM_001382273.1(TNK2):c.2675G>A (p.Arg892His)

Gene: TNK2 (tyrosine kinase non receptor 2; minus strand). Cytogenetic location: 3q29.
Variant type: single nucleotide variant.
Coding change: c.2675G>A on transcript NM_001382273.1 (MANE Select); coding-DNA position 2675, G replaced by A.
Protein change: p.Arg892His; replaces arginine 892 with histidine.
Molecular consequence: missense variant. On other transcripts: non-coding transcript variant (15).
Genome position (GRCh38, 1-based): chr3:195,867,623, C>T on the plus strand (G>A on the coding strand, the complement: TNK2 is on the minus strand). VCF-style: chr3-195867623-C-T. GRCh37 (hg19) VCF-style: chr3-195594494-C-T.
Other names: c.2747G>A, p.Arg916His (NM_001010938.2, NM_001382272.1); c.2726G>A, p.Arg909His (NM_001308046.2, NM_001382271.1); c.2675G>A, p.Arg892His (NM_001382274.1, NM_001387716.1, NM_001387717.1 and 1 more transcripts); c.2771G>A, p.Arg924His (NM_001382275.1, NM_001387707.1); c.2630G>A, p.Arg877His (NM_001386164.1, NM_001387709.1, NM_001387710.1 and 8 more transcripts); c.2702G>A, p.Arg901His (NM_001387708.1, NM_001387715.1); short protein forms R877H, R916H, R909H, R892H, R901H, R924H.
Identifiers: ClinVar variation 224859 (VCV000224859.31), dbSNP rs112384084, ClinGen allele CA357967.

ClinVar aggregate classification (germline): Conflicting classifications of pathogenicity. Review status: criteria provided, conflicting classifications (1 of 4 stars). 4 submissions from 4 submitters: Likely pathogenic (1); Benign (3). Last evaluated 2026-01-26.

Conditions:
Parkinson disease (PD). Identifiers: MedGen C0030567, MeSH D010300, MONDO:0005180.

Allele frequency attached by ClinVar (database versions not stated): gnomAD 0.01127 and 0.01153; 1000 Genomes Project 30x 0.01140; TOPMed 0.01156; 1000 Genomes Project 0.01238; ESP Exome Variant Server 0.01248; gnomAD exomes 0.01393; ExAC 0.01541.
gnomAD v4.1: 27,580 of 1,599,384 alleles (1.7%); highest among the groups gnomAD compares: East Asian, 3%; 294 homozygotes.

Submissions (4):

Labcorp Genetics (formerly Invitae), Labcorp
Classification: Benign. Last evaluated: 2026-01-26. Review status: criteria provided, single submitter. Criteria: Invitae Variant Classification Sherloc (09022015). Collection method: clinical testing. Allele origin: germline.

CeGaT Center for Human Genetics Tuebingen
Classification: Benign. Last evaluated: 2025-07-01. Review status: criteria provided, single submitter. Criteria: CeGaT Center For Human Genetics Tuebingen Variant Classification Criteria Version 2. Collection method: clinical testing. Allele origin: germline. Affected: yes. Observed: 2 variant alleles.
Comment: TNK2: BP4, BS1, BS2

Lupski Lab, Baylor-Hopkins CMG, Baylor College of Medicine
Classification: Likely pathogenic for Parkinson disease. Last evaluated: 2016-01-01. Review status: criteria provided, single submitter. Criteria: Farlow et al. (JAMA Neurol 2016). Collection method: research. Allele origin: germline. Inheritance: Autosomal dominant inheritance. Affected: yes. Observed: 10 variant alleles, 10 heterozygotes.

PreventionGenetics, part of Exact Sciences
Classification: Benign. Review status: criteria provided, single submitter. Criteria: ACMG Guidelines, 2015. Collection method: clinical testing. Allele origin: germline.